The following is an entry in ClinVar:

ClinVar aggregate classification (germline): Uncertain significance. Review status: criteria provided, multiple submitters, no conflicts (2 of 4 stars). 2 submissions from 2 submitters: Uncertain significance (2). Last evaluated 2024-09-26.

Conditions:
Inborn genetic diseases. Identifiers: MedGen C0950123, MeSH D030342.

Allele frequency attached by ClinVar (database versions not stated): gnomAD exomes below 0.00001; ExAC 0.00001.
gnomAD v4.1: 4 of 1,614,216 alleles (0.00025%); highest among the groups gnomAD compares: South Asian, 0.0011%; no homozygotes.

Submissions (2):

Ambry Genetics
Classification: Uncertain significance for Inborn genetic diseases. Last evaluated: 2024-09-26. Review status: criteria provided, single submitter. Criteria: Ambry Variant Classification Scheme 2023. Collection method: clinical testing. Allele origin: germline.

Labcorp Genetics (formerly Invitae), Labcorp
Classification: Uncertain significance. Last evaluated: 2023-09-15. Review status: criteria provided, single submitter. Criteria: Invitae Variant Classification Sherloc (09022015). Collection method: clinical testing. Allele origin: germline.
Comment: This sequence change replaces serine, which is neutral and polar, with cysteine, which is neutral and slightly polar, at codon 871 of the ALPK1 protein (p.Ser871Cys). This variant is present in population databases (rs746243260, gnomAD 0.003%). In summary, the available evidence is currently insufficient to determine the role of this variant in disease. Therefore, it has been classified as a Variant of Uncertain Significance. Advanced modeling of protein sequence and biophysical properties (such as structural, functional, and spatial information, amino acid conservation, physicochemical variation, residue mobility, and thermodynamic stability) performed at Invitae indicates that this missense variant is not expected to disrupt ALPK1 protein function. This variant has not been reported in the literature in individuals affected with ALPK1-related conditions.

NM_025144.4(ALPK1):c.2612C>G (p.Ser871Cys)

Gene: ALPK1 (alpha kinase 1; plus strand). Cytogenetic location: 4q25.
Variant type: single nucleotide variant.
Coding change: c.2612C>G on transcript NM_025144.4 (MANE Select); coding-DNA position 2612, C replaced by G.
Protein change: p.Ser871Cys; replaces serine 871 with cysteine.
Molecular consequence: missense variant.
Genome position (GRCh38, 1-based): chr4:112,432,159, C>G. VCF-style: chr4-112432159-C-G. GRCh37 (hg19) VCF-style: chr4-113353315-C-G.
Other names: c.2612C>G, p.Ser871Cys (NM_001102406.2); c.2378C>G, p.Ser793Cys (NM_001253884.2); c.2612C>G (NM_025144.3); short protein forms S793C, S871C.
Identifiers: ClinVar variation 2754082 (VCV002754082.4), dbSNP rs746243260, ClinGen allele CA3046949.